The following is an entry in ClinVar:

NM_170606.3(KMT2C):c.1802T>G (p.Leu601Arg)

Gene: KMT2C (lysine methyltransferase 2C; minus strand). Cytogenetic location: 7q36.1.
Variant type: single nucleotide variant.
Coding change: c.1802T>G on transcript NM_170606.3 (MANE Select); coding-DNA position 1802, T replaced by G.
Protein change: p.Leu601Arg; replaces leucine 601 with arginine.
Molecular consequence: missense variant.
Genome position (GRCh38, 1-based): chr7:152,249,887, A>C on the plus strand (T>G on the coding strand, the complement: KMT2C is on the minus strand). VCF-style: chr7-152249887-A-C. GRCh37 (hg19) VCF-style: chr7-151946972-A-C.
Other names: c.1802T>G (NM_170606.2); short protein forms L601R.
Identifiers: ClinVar variation 1469874 (VCV001469874.11), dbSNP rs756768425, ClinGen allele CA4581379.
Genomic context (GRCh38, chr7:152,249,887, plus strand): 5'-CATTATCTTGTAACTCAATCAAATTAGACAATATGAACATACTGCTTACCAGCAATAAGA[A>C]GACTATCTGTGTCAAGACTTTCTGAGGGATGACTCTTCTGTTGCTCTTCAGTGTGGACTT-3'
Protein context (NP_733751.2, residues 591-611): HPSESLDTDS[Leu601Arg]LIAVSSQHTV

ClinVar aggregate classification (germline): Conflicting classifications of pathogenicity. Review status: criteria provided, conflicting classifications (1 of 4 stars). 4 submissions from 4 submitters: Uncertain significance (2); Benign (1); Likely benign (1). Last evaluated 2025-09-02.

Conditions:
Kleefstra syndrome 2 (KLEFS2). Identifiers: MedGen C4540395, MONDO:0054701, OMIM 617768.
Inborn genetic diseases. Identifiers: MedGen C0950123, MeSH D030342.

Allele frequency attached by ClinVar (database versions not stated): gnomAD 0.00002 and 0.00003; gnomAD exomes 0.00004 and 0.00008; TOPMed 0.00004; ExAC 0.00005.
gnomAD v4.1: 65 of 1,588,364 alleles (0.0041%); highest among the groups gnomAD compares: Admixed American, 0.037%; no homozygotes.

Submissions (4):

Labcorp Genetics (formerly Invitae), Labcorp
Classification: Benign. Last evaluated: 2025-09-02. Review status: criteria provided, single submitter. Criteria: Invitae Variant Classification Sherloc (09022015). Collection method: clinical testing. Allele origin: germline.

Daryl Scott Lab, Baylor College of Medicine
Classification: Uncertain significance for Kleefstra syndrome 2. Last evaluated: 2024-04-01. Review status: criteria provided, single submitter. Criteria: ACMG Guidelines, 2015. Collection method: clinical testing. Allele origin: maternal. Observed: 1 heterozygote.
Comment: No benign or pathogenic criteria met

Ambry Genetics
Classification: Likely benign for Inborn genetic diseases. Last evaluated: 2023-11-07. Review status: criteria provided, single submitter. Criteria: Ambry Variant Classification Scheme 2023. Collection method: clinical testing. Allele origin: germline.

Breakthrough Genomics
Classification: Uncertain significance. Review status: criteria provided, single submitter. Criteria: ACMG Guidelines, 2015. Collection method: not provided. Allele origin: germline. Inheritance: Autosomal recessive inheritance. Affected: yes.